The following is an entry in ClinVar:

ClinVar aggregate classification (germline): Uncertain significance (1 of 4 stars; one submission).

Submission:

GeneDx
Classification: Uncertain significance. Last evaluated: 2026-04-24. Review status: criteria provided, single submitter. Criteria: GeneDx Variant Classification Process June 2021. Collection method: clinical testing. Allele origin: germline.
Comment: Not observed at significant frequency in large population cohorts (gnomAD); Has not been previously published as pathogenic or benign to our knowledge; Frameshift variant predicted to result in protein truncation or nonsense mediated decay in a gene or region of a gene for which loss of function is not a well-established mechanism of disease

NM_018149.7(SMG8):c.800dup (p.Leu268fs)

Gene: SMG8 (SMG8 nonsense mediated mRNA decay factor; plus strand). Cytogenetic location: 17q22.
Variant type: Duplication.
Coding change: c.800dup on transcript NM_018149.7 (MANE Select); coding-DNA position 800, one base duplicated (T; older notation c.800dupT).
Protein change: p.Leu268fs; shifts the reading frame from leucine 268.
Molecular consequence: frameshift variant.
Genome position (GRCh38, 1-based): chr17:59,210,851, T duplicated; the last of 4 consecutive T bases (chr17:59,210,848-59,210,851); duplicating any one gives the same sequence. VCF-style (leftmost placement, unchanged base first): chr17-59210847-C-CT. GRCh37 (hg19) VCF-style: chr17-57288208-C-CT.
Other names: short protein forms L268fs.
Identifiers: ClinVar variation 4087951 (VCV004087951.2).